The following is an entry in ClinVar:

NM_004260.4(RECQL4):c.2510C>T (p.Thr837Met)

Gene: RECQL4 (RecQ like helicase 4; minus strand). Cytogenetic location: 8q24.3.
Variant type: single nucleotide variant.
Coding change: c.2510C>T on transcript NM_004260.4 (MANE Select); coding-DNA position 2510, C replaced by T.
Protein change: p.Thr837Met; replaces threonine 837 with methionine.
Molecular consequence: missense variant.
Genome position (GRCh38, 1-based): chr8:144,513,092, G>A on the plus strand (C>T on the coding strand, the complement: RECQL4 is on the minus strand). VCF-style: chr8-144513092-G-A. GRCh37 (hg19) VCF-style: chr8-145738475-G-A.
Other names: short protein forms T837M.
Identifiers: ClinVar variation 657870 (VCV000657870.8), dbSNP rs149067160, ClinGen allele CA4948205.

ClinVar aggregate classification (germline): Uncertain significance (1 of 4 stars; one submission).

Conditions:
Baller-Gerold syndrome (BGS). Also called: CRANIOSYNOSTOSIS WITH RADIAL DEFECTS. Identifiers: Orphanet 1225, MedGen C0265308, MONDO:0009039, OMIM 218600.

Allele frequency attached by ClinVar (database versions not stated): gnomAD 0.00001; gnomAD exomes 0.00001; ExAC 0.00002; TOPMed 0.00003; 1000 Genomes Project 0.00020; 1000 Genomes Project 30x 0.00031.
gnomAD v4.1: 19 of 1,575,160 alleles (0.0012%); highest among the groups gnomAD compares: Middle Eastern, 0.017%; no homozygotes.

Submission:

Labcorp Genetics (formerly Invitae), Labcorp
Classification: Uncertain significance for Baller-Gerold syndrome. Last evaluated: 2025-07-30. Review status: criteria provided, single submitter. Criteria: Invitae Variant Classification Sherloc (09022015). Collection method: clinical testing. Allele origin: germline.
Comment: This sequence change replaces threonine, which is neutral and polar, with methionine, which is neutral and non-polar, at codon 837 of the RECQL4 protein (p.Thr837Met). The frequency data for this variant in the population databases is considered unreliable, as metrics indicate poor data quality at this position in the gnomAD database. This variant has not been reported in the literature in individuals affected with RECQL4-related conditions. ClinVar contains an entry for this variant (Variation ID: 657870). Invitae Evidence Modeling of protein sequence and biophysical properties (such as structural, functional, and spatial information, amino acid conservation, physicochemical variation, residue mobility, and thermodynamic stability) indicates that this missense variant is not expected to disrupt RECQL4 protein function with a negative predictive value of 80%. In summary, the available evidence is currently insufficient to determine the role of this variant in disease. Therefore, it has been classified as a Variant of Uncertain Significance.